The following is an entry in ClinVar:

ClinVar aggregate classification (germline): Uncertain significance. Review status: criteria provided, multiple submitters, no conflicts (2 of 4 stars). 3 submissions from 3 submitters: Uncertain significance (3). Last evaluated 2026-06-18.

Allele frequency attached by ClinVar (database versions not stated): ExAC 0.00001; gnomAD 0.00001; TOPMed 0.00005; ESP Exome Variant Server 0.00008.
gnomAD v4.1: 4 of 1,613,526 alleles (0.00025%); highest among the groups gnomAD compares: Admixed American, 0.005%; no homozygotes.

Submissions (3):

GeneDx
Classification: Uncertain significance. Last evaluated: 2026-06-18. Review status: criteria provided, single submitter. Criteria: GeneDx Variant Classification Process June 2021. Collection method: clinical testing. Allele origin: germline.
Comment: Not observed at significant frequency in large population cohorts (gnomAD); Missense variant in a gene in which most reported pathogenic variants are truncating/loss of function; Has not been previously published as pathogenic or benign to our knowledge

Women's Health and Genetics/Laboratory Corporation of America, LabCorp
Classification: Uncertain significance. Last evaluated: 2025-12-29. Review status: criteria provided, single submitter. Criteria: LabCorp Variant Classification Summary - May 2015. Collection method: clinical testing. Allele origin: germline.
Comment: Variant summary: TTN c.78781A>G (p.Asn26261Asp) results in a conservative amino acid change in the encoded protein sequence. Algorithms developed to predict the effect of missense changes on protein structure and function are either unavailable or do not agree on the potential impact of this missense change. The variant allele was found at a frequency of 4e-06 in 248182 control chromosomes. The available data on variant occurrences in the general population are insufficient to allow any conclusion about variant significance. To our knowledge, no occurrence of c.78781A>G in individuals affected with TTN-related conditions and no experimental evidence demonstrating its impact on protein function have been reported. ClinVar contains an entry for this variant (Variation ID: 2438152). Based on the evidence outlined above, the variant was classified as uncertain significance.

Revvity Omics, Revvity
Classification: Uncertain significance. Last evaluated: 2021-02-09. Review status: criteria provided, single submitter. Criteria: ACMG Guidelines, 2015. Collection method: clinical testing. Allele origin: germline.

NM_001267550.2(TTN):c.86485A>G (p.Asn28829Asp)

Genes: TTN (titin; minus strand), TTN-AS1 (TTN antisense RNA 1; plus strand). Cytogenetic location: 2q31.2.
Variant type: single nucleotide variant.
Coding change: c.86485A>G on transcript NM_001267550.2 (MANE Select); coding-DNA position 86485, A replaced by G.
Protein change: p.Asn28829Asp; replaces asparagine 28829 with aspartic acid.
Molecular consequence: missense variant.
Genome position (GRCh38, 1-based): chr2:178,559,647, T>C on the plus strand (A>G on the coding strand, the complement: TTN is on the minus strand). VCF-style: chr2-178559647-T-C. GRCh37 (hg19) VCF-style: chr2-179424374-T-C.
Other names: c.81562A>G, p.Asn27188Asp (NM_001256850.1); c.59290A>G, p.Asn19764Asp (NM_003319.4); c.78781A>G, p.Asn26261Asp (NM_133378.4); c.59665A>G, p.Asn19889Asp (NM_133432.3); c.59866A>G, p.Asn19956Asp (NM_133437.4); short protein forms N19764D, N19889D, N19956D, N26261D, N27188D, N28829D.
Identifiers: ClinVar variation 2438152 (VCV002438152.6), dbSNP rs371485481, ClinGen allele CA1988494.
Genomic context (GRCh38, chr2:178,559,647, plus strand): 5'-GAGGACCTGGGGTATCTAAAACTTTGACAACTAAGGTCAGTGAAGCAGCACTCAAAACAT[T>C]CTGAATTGTTAATGTGTACTTTCCAGAGTCATTTCTGTTGGCATTTTCAATGGTCAGTGA-3'
Protein context (NP_001254479.2, residues 28819-28839): DSGKYTLTIQ[Asn28829Asp]VLSAASLTLV